The following is an entry in ClinVar:

ClinVar aggregate classification (germline): Uncertain significance (1 of 4 stars; one submission).

Conditions:
Hereditary cancer-predisposing syndrome. Also called: Tumor predisposition; Neoplastic Syndromes, Hereditary; Hereditary neoplastic syndrome; Hereditary Cancer Syndrome. Identifiers: Orphanet 140162, MedGen C0027672, MeSH D009386, MONDO:0015356.

Submission:

Ambry Genetics
Classification: Uncertain significance for Hereditary cancer-predisposing syndrome. Last evaluated: 2024-09-12. Review status: criteria provided, single submitter. Criteria: Ambry Variant Classification Scheme 2023. Collection method: clinical testing. Allele origin: germline.
Comment: The p.T491I variant (also known as c.1472C>T), located in coding exon 9 of the ATM gene, results from a C to T substitution at nucleotide position 1472. The threonine at codon 491 is replaced by isoleucine, an amino acid with similar properties. This amino acid position is not well conserved in available vertebrate species. In addition, this alteration is predicted to be tolerated by in silico analysis. Based on the available evidence, the clinical significance of this variant remains unclear.

NM_000051.4(ATM):c.1472C>T (p.Thr491Ile)

Gene: ATM (ATM serine/threonine kinase; plus strand). Cytogenetic location: 11q22.3.
Variant type: single nucleotide variant.
Coding change: c.1472C>T on transcript NM_000051.4 (MANE Select); coding-DNA position 1472, C replaced by T.
Protein change: p.Thr491Ile; replaces threonine 491 with isoleucine.
Molecular consequence: missense variant.
Genome position (GRCh38, 1-based): chr11:108,250,937, C>T. VCF-style: chr11-108250937-C-T. GRCh37 (hg19) VCF-style: chr11-108121664-C-T.
Other names: c.1472C>T, p.Thr491Ile (NM_001351834.2); short protein forms T491I.
Identifiers: ClinVar variation 3451020 (VCV003451020.1).